The following is an entry in ClinVar:

NM_003172.4(SURF1):c.437_445del (p.Ala146_Glu148del)

Gene: SURF1 (SURF1 cytochrome c oxidase assembly factor; minus strand). Cytogenetic location: 9q34.2.
Variant type: Deletion.
Coding change: c.437_445del on transcript NM_003172.4 (MANE Select); coding-DNA positions 437 to 445, 9 bases deleted (CCCGGGAGG; older notation c.437_445delCCCGGGAGG).
Protein change: p.Ala146_Glu148del.
Molecular consequence: inframe deletion.
Genome position (GRCh38, 1-based): chr9:133,353,819-133,353,827, CCTCCCGGG deleted on the plus strand (CCCGGGAGG on the coding strand, the reverse complement: SURF1 is on the minus strand); deleting any 9 consecutive bases within chr9:133,353,819-133,353,835 gives the same sequence; the c. name uses the placement nearest the transcript's 3' end. VCF-style (leftmost placement, unchanged base first): chr9-133353818-CCCTCCCGGG-C. GRCh37 (hg19) VCF-style: chr9-136220673-CCCTCCCGGG-C.
Other names: c.110_118del, p.Ala37_Glu39del (NM_001280787.1).
Identifiers: ClinVar variation 1346723 (VCV001346723.6), dbSNP rs782387264, ClinGen allele CA200833005.

ClinVar aggregate classification (germline): Uncertain significance (1 of 4 stars; one submission).

Conditions:
Leigh syndrome (NULS). Also called: Leigh's syndrome; Leigh's necrotizing encephalopathy; Leigh's disease; LEIGH SYNDROME, NUCLEAR; Leigh Syndrome (mtDNA deletion); Leigh Disease. Identifiers: Orphanet 506, MedGen C2931891, MONDO:0009723, OMIM 256000.

Submission:

Labcorp Genetics (formerly Invitae), Labcorp
Classification: Uncertain significance for Leigh syndrome. Last evaluated: 2025-09-11. Review status: criteria provided, single submitter. Criteria: Invitae Variant Classification Sherloc (09022015). Collection method: clinical testing. Allele origin: germline.
Comment: This variant, c.437_445del, results in the deletion of 3 amino acid(s) of the SURF1 protein (p.Ala146_Glu148del), but otherwise preserves the integrity of the reading frame. This variant is present in population databases (rs782387264, gnomAD 0.0009%). This variant has not been reported in the literature in individuals affected with SURF1-related conditions. ClinVar contains an entry for this variant (Variation ID: 1346723). Experimental studies and prediction algorithms are not available or were not evaluated, and the functional significance of this variant is currently unknown. In summary, the available evidence is currently insufficient to determine the role of this variant in disease. Therefore, it has been classified as a Variant of Uncertain Significance.